The following is an entry in ClinVar:

ClinVar aggregate classification (germline): Likely benign (1 of 4 stars; one submission).

gnomAD v4.1: 1 of 1,579,194 alleles (0.000063%); highest among the groups gnomAD compares: Non-Finnish European, 0.000086%; no homozygotes.

Submission:

CeGaT Center for Human Genetics Tuebingen
Classification: Likely benign. Last evaluated: 2026-07-01. Review status: criteria provided, single submitter. Criteria: CeGaT Center For Human Genetics Tuebingen Variant Classification Criteria Version 2. Collection method: clinical testing. Allele origin: germline. Affected: yes. Observed: 1 variant allele.
Comment: PIGT: BP4, BP7

NM_015937.6(PIGT):c.21T>A (p.Leu7=)

Gene: PIGT (phosphatidylinositol glycan anchor biosynthesis class T; plus strand). Cytogenetic location: 20q13.12.
Variant type: single nucleotide variant.
Coding change: c.21T>A on transcript NM_015937.6 (MANE Select); coding-DNA position 21, T replaced by A.
Protein change: p.Leu7=; no amino-acid change (leucine 7 retained).
Molecular consequence: synonymous variant. On other transcripts: non-coding transcript variant (5).
Genome position (GRCh38, 1-based): chr20:45,416,177, T>A. VCF-style: chr20-45416177-T-A. GRCh37 (hg19) VCF-style: chr20-44044817-T-A.
Other names: c.21T>A, p.Leu7= (NM_001184728.3, NM_001184729.3, NM_001184730.3).
Identifiers: ClinVar variation 5040035 (VCV005040035.1).